The following is an entry in ClinVar:

ClinVar aggregate classification (germline): Uncertain significance (1 of 4 stars; one submission).

Conditions:
Birt-Hogg-Dube syndrome. Also called: Birt Hogg Dubé syndrome. Identifiers: Orphanet 122, MedGen C0346010, MONDO:0800444.

Allele frequency attached by ClinVar (database versions not stated): TOPMed below 0.00001.

Submission:

Labcorp Genetics (formerly Invitae), Labcorp
Classification: Uncertain significance for Birt-Hogg-Dube syndrome. Last evaluated: 2023-05-30. Review status: criteria provided, single submitter. Criteria: Invitae Variant Classification Sherloc (09022015). Collection method: clinical testing. Allele origin: germline.
Comment: In summary, the available evidence is currently insufficient to determine the role of this variant in disease. Therefore, it has been classified as a Variant of Uncertain Significance. Variants that disrupt the consensus splice site are a relatively common cause of aberrant splicing (PMID: 17576681, 9536098). Algorithms developed to predict the effect of sequence changes on RNA splicing suggest that this variant may create or strengthen a splice site. ClinVar contains an entry for this variant (Variation ID: 949261). This variant has not been reported in the literature in individuals affected with FLCN-related conditions. This variant is not present in population databases (gnomAD no frequency). This sequence change falls in intron 13 of the FLCN gene. It does not directly change the encoded amino acid sequence of the FLCN protein. It affects a nucleotide within the consensus splice site.

Literature cited by the submitters: PubMed 17576681; PubMed 9536098.

NM_144997.7(FLCN):c.1538+6C>A

Gene: FLCN (folliculin; minus strand). Cytogenetic location: 17p11.2.
Variant type: single nucleotide variant.
Coding change: c.1538+6C>A on transcript NM_144997.7 (MANE Select); 6 bases into the intron after coding-DNA position 1538, C replaced by A.
Molecular consequence: intron variant.
Genome position (GRCh38, 1-based): chr17:17,214,979, G>T on the plus strand (C>A on the coding strand, the complement: FLCN is on the minus strand). VCF-style: chr17-17214979-G-T. GRCh37 (hg19) VCF-style: chr17-17118293-G-T.
Other names: c.1538+6C>A (NM_001353231.2, NM_001353230.2); c.1592+6C>A (NM_001353229.2).
Identifiers: ClinVar variation 949261 (VCV000949261.7), dbSNP rs1597578548, ClinGen allele CA1139665242.
Genomic context (GRCh38, chr17:17,214,979, plus strand): 5'-TTGGAAACAGCTCCAGGTTTTCTCCAGGGTCGCAAGCAAAGGGGCCTCACCCACACTGTT[G>T]CTTACTTCATCCACTCCTCCTTGAGGCAGACGAGGCACTGGTCCACCACATCCACAGACA-3'